The following is an entry in ClinVar:

NM_001127178.3(PIGG):c.1175A>G (p.Tyr392Cys)

Gene: PIGG (phosphatidylinositol glycan anchor biosynthesis class G (EMM blood group); plus strand). Cytogenetic location: 4p16.3.
Variant type: single nucleotide variant.
Coding change: c.1175A>G on transcript NM_001127178.3 (MANE Select); coding-DNA position 1175, A replaced by G.
Protein change: p.Tyr392Cys; replaces tyrosine 392 with cysteine.
Molecular consequence: missense variant. On other transcripts: 5 prime UTR variant (2), non-coding transcript variant (10), intron variant (1).
Genome position (GRCh38, 1-based): chr4:521,116, A>G. VCF-style: chr4-521116-A-G. GRCh37 (hg19) VCF-style: chr4-514905-A-G.
Other names: c.908A>G, p.Tyr303Cys (NM_001289051.2, NM_001289053.2, NM_001345986.2 and 1 more transcripts); c.776A>G, p.Tyr259Cys (NM_001289052.2); c.809A>G, p.Tyr270Cys (NM_001289055.2); c.146A>G, p.Tyr49Cys (NM_001345988.2); c.1175A>G, p.Tyr392Cys (NM_001345989.2, NM_017733.5); c.-313A>G (NM_001345990.2, NM_001345991.2); c.101A>G, p.Tyr34Cys (NM_001345994.2); c.848-544A>G (NM_001289057.2); short protein forms Y34C, Y49C, Y303C, Y259C, Y270C, Y392C.
Identifiers: ClinVar variation 1354029 (VCV001354029.8), dbSNP rs2108940084, ClinGen allele CA355903714.

ClinVar aggregate classification (germline): Uncertain significance (1 of 4 stars; one submission).

Conditions:
Intellectual disability, autosomal recessive 53 (NEDHSCA). Also called: NEURODEVELOPMENTAL DISORDER WITH OR WITHOUT HYPOTONIA, SEIZURES, AND CEREBELLAR ATROPHY; GLYCOSYLPHOSPHATIDYLINOSITOL BIOSYNTHESIS DEFECT 13; Mental retardation, autosomal recessive 53. Identifiers: Orphanet 488635, MedGen C4310794, MONDO:0014832, OMIM 616917.

Submission:

Labcorp Genetics (formerly Invitae), Labcorp
Classification: Uncertain significance for Intellectual disability, autosomal recessive 53. Last evaluated: 2021-03-26. Review status: criteria provided, single submitter. Criteria: Invitae Variant Classification Sherloc (09022015). Collection method: clinical testing. Allele origin: germline.
Comment: This sequence change replaces tyrosine with cysteine at codon 392 of the PIGG protein (p.Tyr392Cys). The tyrosine residue is moderately conserved and there is a large physicochemical difference between tyrosine and cysteine. This variant is not present in population databases (ExAC no frequency). This variant has not been reported in the literature in individuals with PIGG-related conditions. Algorithms developed to predict the effect of missense changes on protein structure and function (SIFT, PolyPhen-2, Align-GVGD) all suggest that this variant is likely to be tolerated, but these predictions have not been confirmed by published functional studies and their clinical significance is uncertain. In summary, the available evidence is currently insufficient to determine the role of this variant in disease. Therefore, it has been classified as a Variant of Uncertain Significance.